The following is an entry in ClinVar:

ClinVar aggregate classification (germline): Uncertain significance. Review status: criteria provided, multiple submitters, no conflicts (2 of 4 stars). 2 submissions from 2 submitters: Uncertain significance (2). Last evaluated 2024-08-08.

gnomAD v4.1: 6 of 1,612,208 alleles (0.00037%); highest among the groups gnomAD compares: East Asian, 0.0045%; no homozygotes.

Submissions (2):

Labcorp Genetics (formerly Invitae), Labcorp
Classification: Uncertain significance. Last evaluated: 2024-08-08. Review status: criteria provided, single submitter. Criteria: Invitae Variant Classification Sherloc (09022015). Collection method: clinical testing. Allele origin: germline.
Comment: This sequence change replaces isoleucine, which is neutral and non-polar, with threonine, which is neutral and polar, at codon 382 of the PROM1 protein (p.Ile382Thr). This variant is present in population databases (no rsID available, gnomAD 0.006%). This variant has not been reported in the literature in individuals affected with PROM1-related conditions. Advanced modeling of protein sequence and biophysical properties (such as structural, functional, and spatial information, amino acid conservation, physicochemical variation, residue mobility, and thermodynamic stability) performed at Invitae indicates that this missense variant is not expected to disrupt PROM1 protein function with a negative predictive value of 80%. In summary, the available evidence is currently insufficient to determine the role of this variant in disease. Therefore, it has been classified as a Variant of Uncertain Significance.

Blueprint Genetics
Classification: Uncertain significance. Last evaluated: 2024-05-30. Review status: criteria provided, single submitter. Criteria: ACMG Guidelines, 2015. Collection method: clinical testing. Allele origin: germline.

NM_006017.3(PROM1):c.1145T>C (p.Ile382Thr)

Gene: PROM1 (prominin 1; minus strand). Cytogenetic location: 4p15.32.
Variant type: single nucleotide variant.
Coding change: c.1145T>C on transcript NM_006017.3 (MANE Select); coding-DNA position 1145, T replaced by C.
Protein change: p.Ile382Thr; replaces isoleucine 382 with threonine.
Molecular consequence: missense variant.
Genome position (GRCh38, 1-based): chr4:16,009,105, A>G on the plus strand (T>C on the coding strand, the complement: PROM1 is on the minus strand). VCF-style: chr4-16009105-A-G. GRCh37 (hg19) VCF-style: chr4-16010728-A-G.
Other names: c.1118T>C, p.Ile373Thr (NM_001145847.2, NM_001145848.2, NM_001145851.2 and 4 more transcripts); c.1145T>C, p.Ile382Thr (NM_001145849.2, NM_001145850.2); short protein forms I373T, I382T.
Identifiers: ClinVar variation 3626703 (VCV003626703.3).
Genomic context (GRCh38, chr4:16,009,105, plus strand): 5'-ATAGGAAGACGCTGAGTTACATTGTCGATATCTGAACCAATGGAATTCAAGACCCTTTTG[A>G]TACCTGAAAACAAAGATACCTTTGTTATGCATTTGCAAACATGGAGGAAATAGAAACTTT-3'
Protein context (NP_006008.1, residues 372-392): QRQTTTVVAG[Ile382Thr]KRVLNSIGSD